The following is an entry in ClinVar:

NM_003079.5(SMARCE1):c.61A>G (p.Ser21Gly)

Gene: SMARCE1 (SWI/SNF related BAF chromatin remodeling complex subunit E1; minus strand). Cytogenetic location: 17q21.2.
Variant type: single nucleotide variant.
Coding change: c.61A>G on transcript NM_003079.5 (MANE Select); coding-DNA position 61, A replaced by G.
Protein change: p.Ser21Gly; replaces serine 21 with glycine.
Molecular consequence: missense variant.
Genome position (GRCh38, 1-based): chr17:40,642,550, T>C on the plus strand (A>G on the coding strand, the complement: SMARCE1 is on the minus strand). VCF-style: chr17-40642550-T-C. GRCh37 (hg19) VCF-style: chr17-38798802-T-C.
Other names: short protein forms S21G.
Identifiers: ClinVar variation 2093484 (VCV002093484.5), dbSNP rs2508613634, ClinGen allele CA399370012.
Genomic context (GRCh38, chr17:40,642,550, plus strand): 5'-GCCTGTAGTTGTTGTAGGCGAGATGACTGTATGGATTGTATCCCACAAACCCTGGTGTGC[T>C]GGGCATTTGCTGATGGAAACAAATGAGACAAAAACACGAATGAGAAATGAGCTCAAACGA-3'
Protein context (NP_003070.3, residues 11-31): PTPAPATQMP[Ser21Gly]TPGFVGYNPY

ClinVar aggregate classification (germline): Uncertain significance. Review status: criteria provided, multiple submitters, no conflicts (2 of 4 stars). 2 submissions from 2 submitters: Uncertain significance (2). Last evaluated 2025-11-26.

Conditions:
Familial meningioma. Also called: Meningioma, familial, susceptibility to. Identifiers: Orphanet 263662, MedGen C3551915, MONDO:0011789, OMIM 607174.
Hereditary cancer-predisposing syndrome. Also called: Hereditary neoplastic syndrome; Neoplastic Syndromes, Hereditary; Tumor predisposition; Hereditary Cancer Syndrome. Identifiers: Orphanet 140162, MedGen C0027672, MeSH D009386, MONDO:0015356.

Submissions (2):

Ambry Genetics
Classification: Uncertain significance for Hereditary cancer-predisposing syndrome. Last evaluated: 2025-11-26. Review status: criteria provided, single submitter. Criteria: Ambry Variant Classification Scheme 2023. Collection method: clinical testing. Allele origin: germline.
Comment: The p.S21G variant (also known as c.61A>G), located in coding exon 3 of the SMARCE1 gene, results from an A to G substitution at nucleotide position 61. The serine at codon 21 is replaced by glycine, an amino acid with similar properties. This amino acid position is conserved. In addition, this alteration is predicted to be tolerated by in silico analysis. Based on the available evidence, the clinical significance of this variant remains unclear.

Labcorp Genetics (formerly Invitae), Labcorp
Classification: Uncertain significance for Familial meningioma. Last evaluated: 2022-04-16. Review status: criteria provided, single submitter. Criteria: Invitae Variant Classification Sherloc (09022015). Collection method: clinical testing. Allele origin: germline.
Comment: In summary, the available evidence is currently insufficient to determine the role of this variant in disease. Therefore, it has been classified as a Variant of Uncertain Significance. Algorithms developed to predict the effect of missense changes on protein structure and function (SIFT, PolyPhen-2, Align-GVGD) all suggest that this variant is likely to be tolerated. This variant has not been reported in the literature in individuals affected with SMARCE1-related conditions. This variant is not present in population databases (gnomAD no frequency). This sequence change replaces serine, which is neutral and polar, with glycine, which is neutral and non-polar, at codon 21 of the SMARCE1 protein (p.Ser21Gly).